The following is an entry in ClinVar:

ClinVar aggregate classification (germline): Uncertain significance (1 of 4 stars; one submission).

Submission:

Labcorp Genetics (formerly Invitae), Labcorp
Classification: Uncertain significance. Last evaluated: 2022-01-22. Review status: criteria provided, single submitter. Criteria: Invitae Variant Classification Sherloc (09022015). Collection method: clinical testing. Allele origin: germline.
Comment: A copy number gain of the genomic region encompassing the full coding sequence of the PYCR1 gene has been identified. The boundaries of this event are unknown as they extend beyond the assayed region for this gene and therefore may encompass additional genes. As the precise location of this event is unknown, it may be in tandem or it may be located elsewhere in the genome. This variant has not been reported in the literature in individuals affected with PYCR1-related conditions. In summary, the available evidence is currently insufficient to determine the role of this variant in disease. Therefore, it has been classified as a Variant of Uncertain Significance.

NC_000017.10:g.(?_79618104)_(79894690_?)dup

Genes: MCRIP1 (MAPK regulated corepressor interacting protein 1; minus strand), PDE6G (phosphodiesterase 6G; minus strand), PPP1R27 (protein phosphatase 1 regulatory subunit 27; minus strand), NPB (neuropeptide B; plus strand), P4HB (prolyl 4-hydroxylase subunit beta; minus strand) and 14 more. Cytogenetic location: 17q25.3.
Variant type: Duplication.
Identifiers: ClinVar variation 2425656 (VCV002425656.3).